The following is an entry in ClinVar:

ClinVar aggregate classification (germline): Conflicting classifications of pathogenicity. Review status: criteria provided, conflicting classifications (1 of 4 stars). 3 submissions from 3 submitters: Uncertain significance (1); Likely benign (2). Last evaluated 2024-08-12.

Conditions:
Hereditary cancer-predisposing syndrome. Also called: Neoplastic Syndromes, Hereditary; Hereditary Cancer Syndrome; Tumor predisposition; Hereditary neoplastic syndrome. Identifiers: Orphanet 140162, MedGen C0027672, MeSH D009386, MONDO:0015356.
Multiple endocrine neoplasia, type 2 (MEN2). Identifiers: Orphanet 653, MedGen C4048306, MONDO:0019003. Disease mechanism: gain of function.
Multiple endocrine neoplasia type 2A. Also called: Multiple Endocrine Neoplasia Type 2A (MEN2A); MULTIPLE ENDOCRINE NEOPLASIA, TYPE IIA; PTC SYNDROME; SIPPLE SYNDROME; MEN 2A; MEN-2A syndrome. Identifiers: Orphanet 247698, Orphanet 653, MedGen C0025268, MeSH D018813, MONDO:0008234, OMIM 171400.

Allele frequency attached by ClinVar (database versions not stated): ExAC 0.00001; gnomAD 0.00001; gnomAD exomes 0.00001.
gnomAD v4.1: 9 of 1,611,068 alleles (0.00056%); highest among the groups gnomAD compares: South Asian, 0.0099%; no homozygotes.

Submissions (3):

Myriad Genetics, Inc.
Classification: Likely benign for Multiple endocrine neoplasia type 2A. Last evaluated: 2024-08-12. Review status: criteria provided, single submitter. Criteria: Myriad Autosomal Dominant, Autosomal Recessive and X-Linked Classification Criteria (2023). Collection method: clinical testing. Allele origin: unknown.
Comment: This variant is considered likely benign. This variant has been observed at a population frequency that is significantly greater than expected given the associated disease prevalence and penetrance.

Ambry Genetics
Classification: Likely benign for Hereditary cancer-predisposing syndrome. Last evaluated: 2024-06-07. Review status: criteria provided, single submitter. Criteria: Ambry Variant Classification Scheme 2023. Collection method: clinical testing. Allele origin: germline.

Labcorp Genetics (formerly Invitae), Labcorp
Classification: Uncertain significance for Multiple endocrine neoplasia, type 2. Last evaluated: 2023-09-19. Review status: criteria provided, single submitter. Criteria: Invitae Variant Classification Sherloc (09022015). Collection method: clinical testing. Allele origin: germline.
Comment: In summary, the available evidence is currently insufficient to determine the role of this variant in disease. Therefore, it has been classified as a Variant of Uncertain Significance. An algorithm developed to predict the effect of missense changes on protein structure and function (PolyPhen-2) suggests that this variant is likely to be disruptive. This sequence change replaces valine, which is neutral and non-polar, with aspartic acid, which is acidic and polar, at codon 704 of the RET protein (p.Val704Asp). This variant is present in population databases (rs770155054, gnomAD 0.01%). This variant has not been reported in the literature in individuals affected with RET-related conditions. ClinVar contains an entry for this variant (Variation ID: 1913896).

NM_020975.6(RET):c.2111T>A (p.Val704Asp)

Gene: RET (ret proto-oncogene; plus strand). Cytogenetic location: 10q11.21.
Variant type: single nucleotide variant.
Coding change: c.2111T>A on transcript NM_020975.6 (MANE Select); coding-DNA position 2111, T replaced by A.
Protein change: p.Val704Asp; replaces valine 704 with aspartic acid.
Molecular consequence: missense variant.
Genome position (GRCh38, 1-based): chr10:43,114,711, T>A. VCF-style: chr10-43114711-T-A. GRCh37 (hg19) VCF-style: chr10-43610159-T-A.
Other names: c.2111T>A, p.Val704Asp (NM_000323.2, NM_001406743.1, NM_001406744.1 and 4 more transcripts); c.1349T>A, p.Val450Asp (NM_001355216.2); c.1982T>A, p.Val661Asp (NM_001406761.1, NM_001406762.1, NM_001406764.1); c.1976T>A, p.Val659Asp (NM_001406763.1, NM_001406765.1); c.1823T>A, p.Val608Asp (NM_001406766.1, NM_001406767.1, NM_001406770.1); c.1847T>A, p.Val616Asp (NM_001406768.1); c.1715T>A, p.Val572Asp (NM_001406769.1, NM_001406772.1); c.1673T>A, p.Val558Asp (NM_001406771.1, NM_001406773.1); and 10 more; short protein forms V360D, V374D, V405D, V450D, V462D, V608D, V661D, V365D.
Identifiers: ClinVar variation 1913896 (VCV001913896.7), dbSNP rs770155054, ClinGen allele CA037346.